The following is an entry in ClinVar:

ClinVar aggregate classification (germline): Conflicting classifications of pathogenicity. Review status: criteria provided, conflicting classifications (1 of 4 stars). 2 submissions from 2 submitters: Uncertain significance (1); Likely benign (1). Last evaluated 2024-12-23.

Conditions:
Fanconi anemia (FA). Also called: Fanconi's anemia. Identifiers: Orphanet 84, MedGen C0015625, MeSH D005199, MONDO:0019391.
Inborn genetic diseases. Identifiers: MedGen C0950123, MeSH D030342.

gnomAD v4.1: 2 of 1,614,246 alleles (0.00012%); highest among the groups gnomAD compares: South Asian, 0.0022%; no homozygotes.

Submissions (2):

Ambry Genetics
Classification: Likely benign for Inborn genetic diseases. Last evaluated: 2024-12-23. Review status: criteria provided, single submitter. Criteria: Ambry Variant Classification Scheme 2023. Collection method: clinical testing. Allele origin: germline.

Labcorp Genetics (formerly Invitae), Labcorp
Classification: Uncertain significance for Fanconi anemia. Last evaluated: 2021-08-24. Review status: criteria provided, single submitter. Criteria: Invitae Variant Classification Sherloc (09022015). Collection method: clinical testing. Allele origin: germline.
Comment: This sequence change replaces histidine with tyrosine at codon 897 of the FANCA protein (p.His897Tyr). The histidine residue is weakly conserved and there is a moderate physicochemical difference between histidine and tyrosine. This variant is present in population databases (rs766402927, ExAC 0.006%). This variant has not been reported in the literature in individuals affected with FANCA-related conditions. Advanced modeling of protein sequence and biophysical properties (such as structural, functional, and spatial information, amino acid conservation, physicochemical variation, residue mobility, and thermodynamic stability) performed at Invitae indicates that this missense variant is not expected to disrupt FANCA protein function. In summary, the available evidence is currently insufficient to determine the role of this variant in disease. Therefore, it has been classified as a Variant of Uncertain Significance.

NM_000135.4(FANCA):c.2689C>T (p.His897Tyr)

Genes: FANCA (FA complementation group A; minus strand), LOC130059837 (ATAC-STARR-seq lymphoblastoid active region 11420; plus strand). Cytogenetic location: 16q24.3.
Variant type: single nucleotide variant.
Coding change: c.2689C>T on transcript NM_000135.4 (MANE Select); coding-DNA position 2689, C replaced by T.
Protein change: p.His897Tyr; replaces histidine 897 with tyrosine.
Molecular consequence: missense variant.
Genome position (GRCh38, 1-based): chr16:89,764,979, G>A on the plus strand (C>T on the coding strand, the complement: FANCA is on the minus strand). VCF-style: chr16-89764979-G-A. GRCh37 (hg19) VCF-style: chr16-89831387-G-A.
Other names: c.2689C>T, p.His897Tyr (NM_001286167.3); c.2689C>T (NM_000135.2); short protein forms H897Y.
Identifiers: ClinVar variation 1403277 (VCV001403277.6), dbSNP rs766402927, ClinGen allele CA8251593.